The following is an entry in ClinVar:

NM_001164508.2(NEB):c.19206+2_19206+3del

Gene: NEB (nebulin; minus strand). Cytogenetic location: 2q23.3.
Variant type: Microsatellite.
Coding change: c.19206+2_19206+3del on transcript NM_001164508.2 (MANE Select); the canonical splice donor site of the intron after coding-DNA position 19206 through 3 bases into the intron after coding-DNA position 19206, 2 bases deleted (TG; older notation c.19206+2_19206+3delTG).
Molecular consequence: splice donor variant.
Genome position (GRCh38, 1-based): chr2:151,561,001-151,561,002, CA deleted on the plus strand (TG on the coding strand, the reverse complement: NEB is on the minus strand); deleting any 2 consecutive bases within chr2:151,561,001-151,561,005 gives the same sequence; the c. name uses the placement nearest the transcript's 3' end. VCF-style (leftmost placement, unchanged base first): chr2-151561000-TCA-T. GRCh37 (hg19) VCF-style: chr2-152417514-TCA-T.
Other names: c.14103+2_14103+3del (NM_004543.5); c.19206+2_19206+3del (NM_001164507.2, NM_001271208.2).
Identifiers: ClinVar variation 4854016 (VCV004854016.1).

ClinVar aggregate classification (germline): Likely pathogenic (1 of 4 stars; one submission).

Conditions:
Nemaline myopathy 2 (NEM2). Also called: Nemaline myopathy 2, autosomal recessive. Identifiers: MedGen C1850569, MONDO:0009725, OMIM 256030.

Submission:

3billion
Classification: Likely pathogenic for Nemaline myopathy 2. Last evaluated: 2025-09-08. Review status: criteria provided, single submitter. Criteria: ACMG Guidelines, 2015. Collection method: clinical testing. Allele origin: germline. Affected: yes.
Comment: The variant is not observed in the gnomAD v4.1.0 dataset. Predicted Consequence/Location: Canonical splice site: predicted to alter splicing and result in a loss or disruption of normal protein function. Multiple pathogenic loss-of-function variants are reported downstream of the variant. In silico tools predict the variant to alter splicing and produce an abnormal transcript [SpliceAI: 1.00 (spliceogenicity >=0.2, non-spliceogenicity <0.1)]. Therefore, this variant is classified as Likely pathogenic according to the recommendation of ACMG/AMP guideline.